The following is an entry in ClinVar:

NM_006231.4(POLE):c.2572G>A (p.Glu858Lys)

Gene: POLE (DNA polymerase epsilon, catalytic subunit; minus strand). Cytogenetic location: 12q24.33.
Variant type: single nucleotide variant.
Coding change: c.2572G>A on transcript NM_006231.4 (MANE Select); coding-DNA position 2572, G replaced by A.
Protein change: p.Glu858Lys; replaces glutamic acid 858 with lysine.
Molecular consequence: missense variant.
Genome position (GRCh38, 1-based): chr12:132,664,138, C>T on the plus strand (G>A on the coding strand, the complement: POLE is on the minus strand). VCF-style: chr12-132664138-C-T. GRCh37 (hg19) VCF-style: chr12-133240724-C-T.
Other names: short protein forms E858K.
Identifiers: ClinVar variation 3308393 (VCV003308393.1).
Genomic context (GRCh38, chr12:132,664,138, plus strand): 5'-AGACAAAATTTTCTGGGAAGCTGTTGGGCAGGACGCACCATATACCATCTGTGTCCAGCT[C>T]TAAGGGCCTCCTTCAGAGAAAGAGAGGAGCAAGGTCGTGAGTTCCCCTTTCCTTTTCACC-3'
Protein context (NP_006222.2, residues 848-868): ELIEQIGRPL[Glu858Lys]LDTDGIWCVL

ClinVar aggregate classification (germline): Uncertain significance (1 of 4 stars; one submission).

Conditions:
Hereditary cancer-predisposing syndrome. Also called: Neoplastic Syndromes, Hereditary; Tumor predisposition; Hereditary neoplastic syndrome; Hereditary Cancer Syndrome. Identifiers: Orphanet 140162, MedGen C0027672, MeSH D009386, MONDO:0015356.

Submission:

Ambry Genetics
Classification: Uncertain significance for Hereditary cancer-predisposing syndrome. Last evaluated: 2024-04-26. Review status: criteria provided, single submitter. Criteria: Ambry Variant Classification Scheme 2023. Collection method: clinical testing. Allele origin: germline.
Comment: The p.E858K variant (also known as c.2572G>A), located in coding exon 23 of the POLE gene, results from a G to A substitution at nucleotide position 2572. The glutamic acid at codon 858 is replaced by lysine, an amino acid with similar properties. This amino acid position is conserved. In addition, this alteration is predicted to be deleterious by in silico analysis. Based on the available evidence, the clinical significance of this variant remains unclear.